The following is an entry in ClinVar:

ClinVar aggregate classification (germline): Benign/Likely benign. Review status: criteria provided, multiple submitters, no conflicts (2 of 4 stars). 6 submissions from 6 submitters: Benign (4); Likely benign (2). Last evaluated 2026-07-01.

Conditions:
Epidermolysis bullosa simplex 5B, with muscular dystrophy (EBS5B). Also called: Epidermolysis bullosa simplex with muscular dystrophy; EPIDERMOLYSIS BULLOSA SIMPLEX AND LIMB-GIRDLE MUSCULAR DYSTROPHY. Identifiers: Orphanet 257, MedGen C2931072, MONDO:0009181, OMIM 226670.
Epidermolysis bullosa simplex with nail dystrophy (EBS5D). Identifiers: MedGen C4225309, MONDO:0014661, OMIM 616487.
Autosomal recessive limb-girdle muscular dystrophy type 2Q (LGMDR17). Also called: MUSCULAR DYSTROPHY, LIMB-GIRDLE, AUTOSOMAL RECESSIVE 17. Identifiers: Orphanet 254361, MedGen C3150989, MONDO:0013390, OMIM 613723.
Epidermolysis bullosa simplex 5C, with pyloric atresia (EBS5C). Also called: PLEC-Related Epidermolysis Bullosa with Pyloric Atresia; PLEC1-Related Epidermolysis Bullosa with Pyloric Atresia; Epidermolysis bullosa simplex with pyloric atresia. Identifiers: Orphanet 158684, MedGen C2677349, MONDO:0012807, OMIM 612138.
Junctional epidermolysis bullosa with pyloric atresia. Also called: EPIDERMOLYSIS BULLOSA, JUNCTIONAL 5B, WITH PYLORIC ATRESIA; Junctional Epidermolysis Bullosa- Pyloric Atresia Syndrome; Epidermolysis bullosa, junctional, with pyloric atresia and aplasia cutis congenita; Epidermolysis bullosa junctionalis with pyloric atresia; CARMI SYNDROME; EB-PA-ACC. Identifiers: Orphanet 79403, MedGen C5676875, MONDO:0009183, OMIM 226730.
Epidermolysis bullosa simplex, Ogna type (EBS5A). Also called: Pidermolysis bullosa simplex 5A, Ogna type; EPIDERMOLYSIS BULLOSA SIMPLEX 5A, OGNA TYPE. Identifiers: Orphanet 79401, MedGen C0432317, MONDO:0007555, OMIM 131950.

Allele frequency attached by ClinVar (database versions not stated): ESP Exome Variant Server 0.00044; gnomAD 0.00081 and 0.00117; TOPMed 0.00082; gnomAD exomes 0.00238; ExAC 0.00313; 1000 Genomes Project 0.00359; 1000 Genomes Project 30x 0.00375.
gnomAD v4.1: 2,588 of 1,590,920 alleles (0.16%); highest among the groups gnomAD compares: South Asian, 1%; 12 homozygotes.

Submissions (7):

CeGaT Center for Human Genetics Tuebingen
Classification: Likely benign. Last evaluated: 2026-07-01. Review status: criteria provided, single submitter. Criteria: CeGaT Center For Human Genetics Tuebingen Variant Classification Criteria Version 2. Collection method: clinical testing. Allele origin: germline. Affected: yes. Observed: 6 variant alleles.
Comment: PLEC: BS1

Labcorp Genetics (formerly Invitae), Labcorp
Classification: Benign for Autosomal recessive limb-girdle muscular dystrophy type 2Q; Epidermolysis bullosa simplex, Ogna type; Epidermolysis bullosa simplex with nail dystrophy; Epidermolysis bullosa simplex 5C, with pyloric atresia; Epidermolysis bullosa simplex 5B, with muscular dystrophy. Last evaluated: 2026-01-27. Review status: criteria provided, single submitter. Criteria: Invitae Variant Classification Sherloc (09022015). Collection method: clinical testing. Allele origin: germline.

Fulgent Genetics
Classification: Likely benign for Epidermolysis bullosa simplex, Ogna type; Epidermolysis bullosa simplex 5B, with muscular dystrophy; Junctional epidermolysis bullosa with pyloric atresia; Epidermolysis bullosa simplex 5C, with pyloric atresia; Autosomal recessive limb-girdle muscular dystrophy type 2Q; Epidermolysis bullosa simplex with nail dystrophy. Last evaluated: 2021-12-13. Review status: criteria provided, single submitter. Criteria: ACMG Guidelines, 2015. Collection method: clinical testing. Allele origin: unknown.

Mayo Clinic Laboratories, Mayo Clinic
Classification: Benign. Last evaluated: 2019-05-14. Review status: criteria provided, single submitter. Criteria: ACMG Guidelines, 2015. Collection method: clinical testing. Allele origin: germline. Observed: 4 variant alleles.

GeneDx
Classification: Benign. Last evaluated: 2016-06-27. Review status: criteria provided, single submitter. Criteria: GeneDx Variant Classification (06012015). Collection method: clinical testing. Allele origin: germline. Affected: yes.
Comment: This variant is considered likely benign or benign based on one or more of the following criteria: it is a conservative change, it occurs at a poorly conserved position in the protein, it is predicted to be benign by multiple in silico algorithms, and/or has population frequency not consistent with disease.

Eurofins Ntd Llc (ga)
Classification: Benign. Last evaluated: 2015-08-18. Review status: criteria provided, single submitter. Criteria: EGL Classification Definitions 2015. Collection method: clinical testing. Allele origin: germline. Observed: 1 variant allele, 1 heterozygote.

Dr. Peter K. Rogan Lab, Western University
No classification provided (evidence only). Condition: Malignant tumor of urinary bladder. Review status: no classification provided. Collection method: in vitro. Allele origin: not applicable. Functional consequence: skipped exon, retained intron. Not counted in ClinVar's aggregate classification.

NM_201384.3(PLEC):c.6311C>T (p.Ala2104Val)

Gene: PLEC (plectin; minus strand). Cytogenetic location: 8q24.3.
Variant type: single nucleotide variant.
Coding change: c.6311C>T on transcript NM_201384.3 (MANE Select); coding-DNA position 6311, C replaced by T.
Protein change: p.Ala2104Val; replaces alanine 2104 with valine.
Molecular consequence: missense variant.
Genome position (GRCh38, 1-based): chr8:143,923,618, G>A on the plus strand (C>T on the coding strand, the complement: PLEC is on the minus strand). VCF-style: chr8-143923618-G-A. GRCh37 (hg19) VCF-style: chr8-144997786-G-A.
Other names: p.Ala2090Val; c.6392C>T, p.Ala2131Val (NM_000445.5); c.6269C>T, p.Ala2090Val (NM_201378.4); c.6245C>T, p.Ala2082Val (NM_201379.3); c.6722C>T, p.Ala2241Val (NM_201380.4); c.6215C>T, p.Ala2072Val (NM_201381.3); c.6311C>T, p.Ala2104Val (NM_201382.4); c.6323C>T, p.Ala2108Val (NM_201383.3); short protein forms A2072V, A2082V, A2090V, A2104V, A2108V, A2131V, A2241V.
Identifiers: ClinVar variation 196741 (VCV000196741.41), dbSNP rs201959200, ClinGen allele CA202546.